The following is an entry in ClinVar:

ClinVar aggregate classification (germline): Uncertain significance. Review status: criteria provided, multiple submitters, no conflicts (2 of 4 stars). 2 submissions from 2 submitters: Uncertain significance (2). Last evaluated 2024-04-29.

Conditions:
Breast-ovarian cancer, familial, susceptibility to, 2 (BROVCA2). Also called: BRCA2 Hereditary Breast and Ovarian Cancer. Identifiers: Orphanet 145, MedGen C2675520, MONDO:0012933, OMIM 612555. Disease mechanism: loss of function.
Hereditary breast ovarian cancer syndrome. Also called: Hereditary breast and ovarian cancer syndrome; Hereditary breast and ovarian cancer syndrome (HBOC); Hereditary breast and ovarian cancer; Breast and ovarian cancer; Hereditary breast and/or ovarian cancer syndrome; BRCA1- and BRCA2-Associated Hereditary Breast and Ovarian Cancer. Identifiers: Orphanet 145, MedGen C0677776, MeSH D061325, MONDO:0003582. Disease mechanism: loss of function.

Submissions (2):

Labcorp Genetics (formerly Invitae), Labcorp
Classification: Uncertain significance for Hereditary breast ovarian cancer syndrome. Last evaluated: 2024-04-29. Review status: criteria provided, single submitter. Criteria: Invitae Variant Classification Sherloc (09022015). Collection method: clinical testing. Allele origin: germline.
Comment: This sequence change replaces serine, which is neutral and polar, with tyrosine, which is neutral and polar, at codon 2691 of the BRCA2 protein (p.Ser2691Tyr). This variant is not present in population databases (gnomAD no frequency). This variant has not been reported in the literature in individuals affected with BRCA2-related conditions. Advanced modeling performed at Invitae incorporating data from internal and/or published experimental studies (PMID: 33609447) indicates that this missense variant is expected to disrupt BRCA2 function with a positive predictive value of 95%. In summary, the available evidence is currently insufficient to determine the role of this variant in disease. Therefore, it has been classified as a Variant of Uncertain Significance.

All of Us Research Program, National Institutes of Health
Classification: Uncertain significance for Breast-ovarian cancer, familial, susceptibility to, 2. Last evaluated: 2023-10-02. Review status: criteria provided, single submitter. Criteria: ACMG Guidelines, 2015. Collection method: clinical testing. Allele origin: germline. Inheritance: Autosomal dominant inheritance. Observed: 1 variant allele, 1 heterozygote.
Comment: This missense variant replaces serine with tyrosine at codon 2691 of the BRCA2 protein. Computational prediction is inconclusive regarding the impact of this variant on protein structure and function (internally defined REVEL score threshold 0.5 < inconclusive < 0.7, PMID: 27666373). To our knowledge, functional studies have not been reported for this variant. This variant has not been reported in individuals affected with BRCA2-related disorders in the literature. This variant has not been identified in the general population by the Genome Aggregation Database (gnomAD). The available evidence is insufficient to determine the role of this variant in disease conclusively. Therefore, this variant is classified as a Variant of Uncertain Significance.

This study involves interpretation of variants in research participants for the purpose of population health screening. Participant phenotype was not available at the time of variant classification. Additional details can be found in publication PMID: 35346344, PMCID: PMC8962531

Literature cited by the submitters: PubMed 33609447 (cited by Labcorp Genetics (formerly Invitae), Labcorp).

NM_000059.4(BRCA2):c.8072C>A (p.Ser2691Tyr)

Gene: BRCA2 (BRCA2 DNA repair associated; plus strand). Cytogenetic location: 13q13.1.
Variant type: single nucleotide variant.
Coding change: c.8072C>A on transcript NM_000059.4 (MANE Select); coding-DNA position 8072, C replaced by A.
Protein change: p.Ser2691Tyr; replaces serine 2691 with tyrosine.
Molecular consequence: missense variant. On other transcripts: non-coding transcript variant (1).
Genome position (GRCh38, 1-based): chr13:32,363,274, C>A. VCF-style: chr13-32363274-C-A. GRCh37 (hg19) VCF-style: chr13-32937411-C-A.
Other names: c.7976C>A, p.Ser2659Tyr (NM_001406719.1); c.8072C>A, p.Ser2691Tyr (NM_001406720.1); c.3140C>A, p.Ser1047Tyr (NM_001406721.1); c.1655C>A, p.Ser552Tyr (NM_001406722.1); short protein forms S1047Y, S2659Y, S2691Y, S552Y.
Identifiers: ClinVar variation 3073618 (VCV003073618.3), dbSNP rs80359047, ClinGen allele CA387749179.